The following is an entry in ClinVar:

NM_002439.5(MSH3):c.2125T>C (p.Phe709Leu)

Gene: MSH3 (mutS homolog 3; plus strand). Cytogenetic location: 5q14.1.
Variant type: single nucleotide variant.
Coding change: c.2125T>C on transcript NM_002439.5 (MANE Select); coding-DNA position 2125, T replaced by C.
Protein change: p.Phe709Leu; replaces phenylalanine 709 with leucine.
Molecular consequence: missense variant.
Genome position (GRCh38, 1-based): chr5:80,768,875, T>C. VCF-style: chr5-80768875-T-C. GRCh37 (hg19) VCF-style: chr5-80064694-T-C.
Other names: short protein forms F709L.
Identifiers: ClinVar variation 663258 (VCV000663258.15), dbSNP rs1805354, ClinGen allele CA3328142.

ClinVar aggregate classification (germline): Conflicting classifications of pathogenicity. Review status: criteria provided, conflicting classifications (1 of 4 stars). 5 submissions from 5 submitters: Uncertain significance (4); Likely benign (1). Last evaluated 2025-08-07.

Conditions:
Hereditary cancer-predisposing syndrome. Also called: Neoplastic Syndromes, Hereditary; Tumor predisposition; Hereditary neoplastic syndrome; Hereditary Cancer Syndrome. Identifiers: Orphanet 140162, MedGen C0027672, MeSH D009386, MONDO:0015356.
Endometrial carcinoma. Also called: Endometrial carcinoma, somatic. Identifiers: MedGen C0476089, MONDO:0002447, OMIM 608089, HP:0012114.

Allele frequency attached by ClinVar (database versions not stated): gnomAD 0.00001; TOPMed 0.00001; gnomAD exomes 0.00005 and 0.00006; ExAC 0.00007.
gnomAD v4.1: 82 of 1,611,338 alleles (0.0051%); highest among the groups gnomAD compares: East Asian, 0.18%; no homozygotes.

Submissions (5):

Labcorp Genetics (formerly Invitae), Labcorp
Classification: Uncertain significance. Last evaluated: 2025-08-07. Review status: criteria provided, single submitter. Criteria: Invitae Variant Classification Sherloc (09022015). Collection method: clinical testing. Allele origin: germline.
Comment: This sequence change replaces phenylalanine, which is neutral and non-polar, with leucine, which is neutral and non-polar, at codon 709 of the MSH3 protein (p.Phe709Leu). This variant is present in population databases (rs1805354, gnomAD 0.08%). This variant has not been reported in the literature in individuals affected with MSH3-related conditions. ClinVar contains an entry for this variant (Variation ID: 663258). An algorithm developed to predict the effect of missense changes on protein structure and function (PolyPhen-2) suggests that this variant is likely to be disruptive. In summary, the available evidence is currently insufficient to determine the role of this variant in disease. Therefore, it has been classified as a Variant of Uncertain Significance.

Ambry Genetics
Classification: Uncertain significance for Hereditary cancer-predisposing syndrome. Last evaluated: 2024-11-06. Review status: criteria provided, single submitter. Criteria: Ambry Variant Classification Scheme 2023. Collection method: clinical testing. Allele origin: germline.
Comment: The p.F709L variant (also known as c.2125T>C), located in coding exon 15 of the MSH3 gene, results from a T to C substitution at nucleotide position 2125. The phenylalanine at codon 709 is replaced by leucine, an amino acid with highly similar properties. This amino acid position is highly conserved in available vertebrate species. In addition, the in silico prediction for this alteration is inconclusive. Based on the available evidence, the clinical significance of this variant remains unclear.

Baylor Genetics
Classification: Uncertain significance for Endometrial carcinoma. Last evaluated: 2023-09-09. Review status: criteria provided, single submitter. Criteria: ACMG Guidelines, 2015. Collection method: clinical testing. Allele origin: unknown.

Quest Diagnostics Nichols Institute San Juan Capistrano
Classification: Likely benign. Last evaluated: 2023-06-29. Review status: criteria provided, single submitter. Criteria: Quest Diagnostics criteria. Collection method: clinical testing. Allele origin: unknown.

Sema4
Classification: Uncertain significance for Hereditary cancer-predisposing syndrome. Last evaluated: 2021-12-27. Review status: criteria provided, single submitter. Criteria: Sema4 Curation Guidelines. Collection method: curation. Allele origin: germline.
Comment: To the best of our knowledge, the MSH3 c.2125T>C (p.F709L) variant has not been reported in individuals with MSH3-related disease. It was observed in 13/18382 chromosomes of the East Asian subpopulation, with no homozygotes, in the large and broad cohorts of the Genome Aggregation Database (PMID: 32461654). This variant has been reported in ClinVar (Variation ID 663258). Functional studies have not been performed, and in silico predictions of the variant's effect on protein function are inconclusive. Based on the current evidence available, this variant is interpreted as a variant of uncertain significance.

Literature cited by the submitters: PubMed 21153778 (cited by Quest Diagnostics Nichols Institute San Juan Capistrano).